The following is an entry in ClinVar:

NM_004517.4(ILK):c.475C>G (p.Leu159Val)

Genes: ILK (integrin linked kinase; plus strand), TAF10 (TATA-box binding protein associated factor 10; minus strand). Cytogenetic location: 11p15.4.
Variant type: single nucleotide variant.
Coding change: c.475C>G on transcript NM_004517.4 (MANE Select); coding-DNA position 475, C replaced by G.
Protein change: p.Leu159Val; replaces leucine 159 with valine.
Molecular consequence: missense variant. On other transcripts: 3 prime UTR variant (1).
Genome position (GRCh38, 1-based): chr11:6,608,910, C>G. VCF-style: chr11-6608910-C-G. GRCh37 (hg19) VCF-style: chr11-6630141-C-G.
Other names: c.475C>G, p.Leu159Val (NM_001014794.3, NM_001014795.3); c.378C>G, p.Ile126Met (NM_001278441.2); c.73C>G, p.Leu25Val (NM_001278442.2); c.*2012G>C (NM_006284.4); short protein forms I126M, L25V, L159V.
Identifiers: ClinVar variation 1742882 (VCV001742882.6), dbSNP rs2134559450, ClinGen allele CA379459712.

ClinVar aggregate classification (germline): Uncertain significance. Review status: criteria provided, multiple submitters, no conflicts (2 of 4 stars). 2 submissions from 2 submitters: Uncertain significance (2). Last evaluated 2024-09-11.

Conditions:
Primary familial hypertrophic cardiomyopathy (HCM). Identifiers: Orphanet 99739, MedGen C0949658, MeSH D024741, MONDO:0024573. Inheritance: Various modes of inheritance.

Allele frequency attached by ClinVar (database versions not stated): gnomAD 0.00001.
gnomAD v4.1: 1 of 1,614,230 alleles (0.000062%); highest among the groups gnomAD compares: Middle Eastern, 0.016%; no homozygotes.

Submissions (2):

Ambry Genetics
Classification: Uncertain significance. Last evaluated: 2024-09-11. Review status: criteria provided, single submitter. Criteria: Ambry Variant Classification Scheme 2023. Collection method: clinical testing. Allele origin: germline.
Comment: The p.L159V variant (also known as c.475C>G), located in coding exon 5 of the ILK gene, results from a C to G substitution at nucleotide position 475. The leucine at codon 159 is replaced by valine, an amino acid with highly similar properties. This amino acid position is conserved. In addition, the in silico prediction for this alteration is inconclusive. Since supporting evidence is limited at this time, the clinical significance of this alteration remains unclear.

Labcorp Genetics (formerly Invitae), Labcorp
Classification: Uncertain significance for Primary familial hypertrophic cardiomyopathy. Last evaluated: 2023-12-30. Review status: criteria provided, single submitter. Criteria: Invitae Variant Classification Sherloc (09022015). Collection method: clinical testing. Allele origin: germline.
Comment: This sequence change replaces leucine, which is neutral and non-polar, with valine, which is neutral and non-polar, at codon 159 of the ILK protein (p.Leu159Val). This variant is not present in population databases (gnomAD no frequency). This variant has not been reported in the literature in individuals affected with ILK-related conditions. ClinVar contains an entry for this variant (Variation ID: 1742882). An algorithm developed to predict the effect of missense changes on protein structure and function (PolyPhen-2) suggests that this variant is likely to be tolerated. In summary, the available evidence is currently insufficient to determine the role of this variant in disease. Therefore, it has been classified as a Variant of Uncertain Significance.